The following is an entry in ClinVar:

ClinVar aggregate classification (germline): Uncertain significance (1 of 4 stars; one submission).

Conditions:
CHARGE syndrome (CHARGE). Also called: Hittner Hirsch Kreh syndrome; CHARGE ASSOCIATION--COLOBOMA, HEART ANOMALY, CHOANAL ATRESIA, RETARDATION, GENITAL AND EAR ANOMALIES; Coloboma, heart anomaly, choanal atresia, retardation, genital and ear anomalies; CHARGE association; Hall-Hittner syndrome. Identifiers: Orphanet 138, MedGen C0265354, MONDO:0008965.

Submission:

Labcorp Genetics (formerly Invitae), Labcorp
Classification: Uncertain significance for CHARGE syndrome. Last evaluated: 2025-01-06. Review status: criteria provided, single submitter. Criteria: Invitae Variant Classification Sherloc (09022015). Collection method: clinical testing. Allele origin: germline.
Comment: This sequence change replaces phenylalanine, which is neutral and non-polar, with cysteine, which is neutral and slightly polar, at codon 1777 of the CHD7 protein (p.Phe1777Cys). This variant is not present in population databases (gnomAD no frequency). This variant has not been reported in the literature in individuals affected with CHD7-related conditions. ClinVar contains an entry for this variant (Variation ID: 2134213). Invitae Evidence Modeling of protein sequence and biophysical properties (such as structural, functional, and spatial information, amino acid conservation, physicochemical variation, residue mobility, and thermodynamic stability) indicates that this missense variant is not expected to disrupt CHD7 protein function with a negative predictive value of 95%. In summary, the available evidence is currently insufficient to determine the role of this variant in disease. Therefore, it has been classified as a Variant of Uncertain Significance.

NM_017780.4(CHD7):c.5330T>G (p.Phe1777Cys)

Gene: CHD7 (chromodomain helicase DNA binding protein 7; plus strand). Cytogenetic location: 8q12.2.
Variant type: single nucleotide variant.
Coding change: c.5330T>G on transcript NM_017780.4 (MANE Select); coding-DNA position 5330, T replaced by G.
Protein change: p.Phe1777Cys; replaces phenylalanine 1777 with cysteine.
Molecular consequence: missense variant. On other transcripts: intron variant (1).
Genome position (GRCh38, 1-based): chr8:60,849,080, T>G. VCF-style: chr8-60849080-T-G. GRCh37 (hg19) VCF-style: chr8-61761639-T-G.
Other names: c.1717-13149T>G (NM_001316690.1); short protein forms F1777C.
Identifiers: ClinVar variation 2134213 (VCV002134213.4), dbSNP rs2488003620, ClinGen allele CA371321093.